The following is an entry in ClinVar:

NM_000441.2(SLC26A4):c.1545-3T>C

Gene: SLC26A4 (solute carrier family 26 member 4; plus strand). Cytogenetic location: 7q22.3.
Variant type: single nucleotide variant.
Coding change: c.1545-3T>C on transcript NM_000441.2 (MANE Select); 3 bases into the intron before coding-DNA position 1545, T replaced by C.
Molecular consequence: intron variant.
Genome position (GRCh38, 1-based): chr7:107,698,039, T>C. VCF-style: chr7-107698039-T-C. GRCh37 (hg19) VCF-style: chr7-107338484-T-C.
Identifiers: ClinVar variation 511747 (VCV000511747.1), dbSNP rs1449532089, ClinGen allele CA577030195.

ClinVar aggregate classification (germline): Likely benign (1 of 4 stars; one submission).

Allele frequency attached by ClinVar (database versions not stated): gnomAD exomes 0.00001.
gnomAD v4.1: 11 of 1,598,174 alleles (0.00069%); highest among the groups gnomAD compares: Non-Finnish European, 0.00086%; no homozygotes.

Submission:

GeneDx
Classification: Likely benign. Last evaluated: 2017-09-08. Review status: criteria provided, single submitter. Criteria: GeneDx Variant Classification (06012015). Collection method: clinical testing. Allele origin: germline. Affected: yes.
Comment: This variant is considered likely benign or benign based on one or more of the following criteria: it is a conservative change, it occurs at a poorly conserved position in the protein, it is predicted to be benign by multiple in silico algorithms, and/or has population frequency not consistent with disease.